The following is an entry in ClinVar:

ClinVar aggregate classification (germline): Likely benign (1 of 4 stars; one submission).

Submission:

CeGaT Center for Human Genetics Tuebingen
Classification: Likely benign. Last evaluated: 2024-08-01. Review status: criteria provided, single submitter. Criteria: CeGaT Center For Human Genetics Tuebingen Variant Classification Criteria Version 2. Collection method: clinical testing. Allele origin: germline. Affected: yes. Observed: 1 variant allele.
Comment: ARID1B: PM2:Supporting, BP4, BP7

NM_001374828.1(ARID1B):c.1191C>G (p.Gly397=)

Gene: ARID1B (AT-rich interaction domain 1B; plus strand). Cytogenetic location: 6q25.3.
Variant type: single nucleotide variant.
Coding change: c.1191C>G on transcript NM_001374828.1 (MANE Select); coding-DNA position 1191, C replaced by G.
Protein change: p.Gly397=; no amino-acid change (glycine 397 retained).
Molecular consequence: synonymous variant.
Genome position (GRCh38, 1-based): chr6:156,778,871, C>G. VCF-style: chr6-156778871-C-G. GRCh37 (hg19) VCF-style: chr6-157100005-C-G.
Other names: c.1191C>G, p.Gly397= (NM_001371656.1, NM_001374820.1, NM_017519.3).
Identifiers: ClinVar variation 3341981 (VCV003341981.16).